The following is an entry in ClinVar:

NM_019032.6(ADAMTSL4):c.3038G>C (p.Arg1013Pro)

Genes: ADAMTSL4 (ADAMTS like 4; plus strand), LOC129931410 (ATAC-STARR-seq lymphoblastoid active region 1691; plus strand). Cytogenetic location: 1q21.2.
Variant type: single nucleotide variant.
Coding change: c.3038G>C on transcript NM_019032.6 (MANE Select); coding-DNA position 3038, G replaced by C.
Protein change: p.Arg1013Pro; replaces arginine 1013 with proline.
Molecular consequence: missense variant.
Genome position (GRCh38, 1-based): chr1:150,559,855, G>C. VCF-style: chr1-150559855-G-C. GRCh37 (hg19) VCF-style: chr1-150532331-G-C.
Other names: c.2921G>C, p.Arg974Pro (NM_001288607.2); c.3107G>C, p.Arg1036Pro (NM_001288608.2); c.3038G>C, p.Arg1013Pro (NM_001378596.1); short protein forms R1013P, R974P, R1036P.
Identifiers: ClinVar variation 3671757 (VCV003671757.2).

ClinVar aggregate classification (germline): Uncertain significance (1 of 4 stars; one submission).

gnomAD v4.1: 32 of 1,613,838 alleles (0.002%); highest among the groups gnomAD compares: Non-Finnish European, 0.0025%; no homozygotes.

Submission:

Labcorp Genetics (formerly Invitae), Labcorp
Classification: Uncertain significance. Last evaluated: 2024-12-15. Review status: criteria provided, single submitter. Criteria: Invitae Variant Classification Sherloc (09022015). Collection method: clinical testing. Allele origin: germline.
Comment: This sequence change replaces arginine, which is basic and polar, with proline, which is neutral and non-polar, at codon 1013 of the ADAMTSL4 protein (p.Arg1013Pro). This variant is not present in population databases (gnomAD no frequency). This variant has not been reported in the literature in individuals affected with ADAMTSL4-related conditions. Invitae Evidence Modeling of protein sequence and biophysical properties (such as structural, functional, and spatial information, amino acid conservation, physicochemical variation, residue mobility, and thermodynamic stability) indicates that this missense variant is not expected to disrupt ADAMTSL4 protein function with a negative predictive value of 80%. In summary, the available evidence is currently insufficient to determine the role of this variant in disease. Therefore, it has been classified as a Variant of Uncertain Significance.